The following is an entry in ClinVar:

NM_000379.4(XDH):c.100+3A>G

Gene: XDH (xanthine dehydrogenase; minus strand). Cytogenetic location: 2p23.1.
Variant type: single nucleotide variant.
Coding change: c.100+3A>G on transcript NM_000379.4 (MANE Select); 3 bases into the intron after coding-DNA position 100, A replaced by G.
Molecular consequence: intron variant.
Genome position (GRCh38, 1-based): chr2:31,405,904, T>C on the plus strand (A>G on the coding strand, the complement: XDH is on the minus strand). VCF-style: chr2-31405904-T-C. GRCh37 (hg19) VCF-style: chr2-31628770-T-C.
Identifiers: ClinVar variation 1925093 (VCV001925093.5), dbSNP rs959538358, ClinGen allele CA44734492.
Genomic context (GRCh38, chr2:31,405,904, plus strand): 5'-GGCCTACAGAATCAGTCACCATTGCCCCCCTTCTCCGTCACTCCCACTCCAAAGTCAGGA[T>C]ACACTTTCTTCTCAGGTAGGCCAAAAGGGTTGTCTCTGGATCTGCATTTTTCTCCACCAC-3'

ClinVar aggregate classification (germline): Uncertain significance (1 of 4 stars; one submission).

Conditions:
Xanthinuria type II. Also called: Xanthine dehydrogenase and aldehyde oxidase combined deficiency of; XDH and AOX dual deficiency. Identifiers: Orphanet 3467, Orphanet 93602, MedGen C1863688, MONDO:0011346, OMIM 603592.

Allele frequency attached by ClinVar (database versions not stated): gnomAD exomes below 0.00001; TOPMed below 0.00001; gnomAD 0.00001.
gnomAD v4.1: 9 of 1,614,060 alleles (0.00056%); highest among the groups gnomAD compares: Non-Finnish European, 0.00068%; no homozygotes.

Submission:

Labcorp Genetics (formerly Invitae), Labcorp
Classification: Uncertain significance for Xanthinuria type II. Last evaluated: 2022-03-27. Review status: criteria provided, single submitter. Criteria: Invitae Variant Classification Sherloc (09022015). Collection method: clinical testing. Allele origin: germline.
Comment: This variant has not been reported in the literature in individuals affected with XDH-related conditions. This variant is present in population databases (no rsID available, gnomAD 0.004%). This sequence change falls in intron 2 of the XDH gene. It does not directly change the encoded amino acid sequence of the XDH protein. It affects a nucleotide within the consensus splice site. Variants that disrupt the consensus splice site are a relatively common cause of aberrant splicing (PMID: 17576681, 9536098). Algorithms developed to predict the effect of sequence changes on RNA splicing suggest that this variant may disrupt the consensus splice site. In summary, the available evidence is currently insufficient to determine the role of this variant in disease. Therefore, it has been classified as a Variant of Uncertain Significance.

Literature cited by the submitters: PubMed 17576681; PubMed 9536098.